The following is an entry in ClinVar:

NM_001367823.1(ARHGEF18):c.3145C>T (p.Gln1049Ter)

Gene: ARHGEF18 (Rho/Rac guanine nucleotide exchange factor 18; plus strand). Cytogenetic location: 19p13.2.
Variant type: single nucleotide variant.
Coding change: c.3145C>T on transcript NM_001367823.1 (MANE Select); coding-DNA position 3145, C replaced by T.
Protein change: p.Gln1049Ter; replaces glutamine 1049 with a stop codon.
Molecular consequence: nonsense.
Genome position (GRCh38, 1-based): chr19:7,467,349, C>T. VCF-style: chr19-7467349-C-T. GRCh37 (hg19) VCF-style: chr19-7532235-C-T.
Other names: c.2419C>T, p.Gln807Ter (NM_001130955.2); c.2107C>T, p.Gln703Ter (NM_001367824.1, NM_015318.4); short protein forms Q1049*, Q703*, Q807*.
Identifiers: ClinVar variation 1076113 (VCV001076113.7), dbSNP rs2145910842, ClinGen allele CA403087296.

ClinVar aggregate classification (germline): Pathogenic (1 of 4 stars; one submission).

Submission:

Labcorp Genetics (formerly Invitae), Labcorp
Classification: Pathogenic. Last evaluated: 2022-07-25. Review status: criteria provided, single submitter. Criteria: Invitae Variant Classification Sherloc (09022015). Collection method: clinical testing. Allele origin: germline.
Comment: This variant has not been reported in the literature in individuals affected with ARHGEF18-related conditions. This variant is not present in population databases (gnomAD no frequency). This sequence change creates a premature translational stop signal (p.Gln861*) in the ARHGEF18 gene. It is expected to result in an absent or disrupted protein product. Loss-of-function variants in ARHGEF18 are known to be pathogenic (PMID: 28132693). ClinVar contains an entry for this variant (Variation ID: 1076113). For these reasons, this variant has been classified as Pathogenic.

Literature cited by the submitters: PubMed 28132693.